The following is an entry in ClinVar:

ClinVar aggregate classification (germline): Uncertain significance (1 of 4 stars; one submission).

Conditions:
Neuropathy, hereditary sensory and autonomic, type 2A (HSAN2A). Also called: MORVAN DISEASE; NEUROPATHY, CONGENITAL SENSORY; NEUROPATHY, HEREDITARY SENSORY RADICULAR, AUTOSOMAL RECESSIVE; NEUROPATHY, HEREDITARY SENSORY, TYPE IIA; NEUROPATHY, PROGRESSIVE SENSORY, OF CHILDREN; ACROOSTEOLYSIS, GIACCAI TYPE. Identifiers: Orphanet 970, MedGen C2752089, MONDO:0024309, OMIM 201300.
Generalized epilepsy with febrile seizures plus, type 7 (GEFSP7). Also called: GEFS+, TYPE 7. Identifiers: Orphanet 36387, MedGen C2751778, MONDO:0013470, OMIM 613863.

Submission:

Labcorp Genetics (formerly Invitae), Labcorp
Classification: Uncertain significance for Neuropathy, hereditary sensory and autonomic, type 2A; Generalized epilepsy with febrile seizures plus, type 7. Last evaluated: 2023-03-02. Review status: criteria provided, single submitter. Criteria: Invitae Variant Classification Sherloc (09022015). Collection method: clinical testing. Allele origin: germline.
Comment: In summary, the available evidence is currently insufficient to determine the role of this variant in disease. Therefore, it has been classified as a Variant of Uncertain Significance. Advanced modeling of protein sequence and biophysical properties (such as structural, functional, and spatial information, amino acid conservation, physicochemical variation, residue mobility, and thermodynamic stability) performed at Invitae indicates that this missense variant is not expected to disrupt SCN9A protein function. This variant has not been reported in the literature in individuals affected with SCN9A-related conditions. This variant is not present in population databases (gnomAD no frequency). This sequence change replaces threonine, which is neutral and polar, with isoleucine, which is neutral and non-polar, at codon 859 of the SCN9A protein (p.Thr859Ile).

NM_001365536.1(SCN9A):c.2609C>T (p.Thr870Ile)

Genes: SCN1A-AS1 (SCN1A and SCN9A antisense RNA 1; plus strand), SCN9A (sodium voltage-gated channel alpha subunit 9; minus strand). Cytogenetic location: 2q24.3.
Variant type: single nucleotide variant.
Coding change: c.2609C>T on transcript NM_001365536.1 (MANE Select); coding-DNA position 2609, C replaced by T.
Protein change: p.Thr870Ile; replaces threonine 870 with isoleucine.
Molecular consequence: missense variant.
Genome position (GRCh38, 1-based): chr2:166,277,248, G>A on the plus strand (C>T on the coding strand, the complement: SCN9A is on the minus strand). VCF-style: chr2-166277248-G-A. GRCh37 (hg19) VCF-style: chr2-167133758-G-A.
Other names: c.2576C>T, p.Thr859Ile (NM_002977.4); short protein forms T870I, T859I.
Identifiers: ClinVar variation 2935189 (VCV002935189.3), dbSNP rs2468003782, ClinGen allele CA349077965.